The following is an entry in ClinVar:

NM_001110556.2(FLNA):c.2171A>G (p.Lys724Arg)

Gene: FLNA (filamin A; minus strand). Cytogenetic location: Xq28.
Variant type: single nucleotide variant.
Coding change: c.2171A>G on transcript NM_001110556.2 (MANE Select); coding-DNA position 2171, A replaced by G.
Protein change: p.Lys724Arg; replaces lysine 724 with arginine.
Molecular consequence: missense variant.
Genome position (GRCh38, 1-based): chrX:154,364,131, T>C on the plus strand (A>G on the coding strand, the complement: FLNA is on the minus strand). VCF-style: chrX-154364131-T-C. GRCh37 (hg19) VCF-style: chrX-153592499-T-C.
Other names: c.2171A>G, p.Lys724Arg (NM_001456.4); short protein forms K724R.
Identifiers: ClinVar variation 1787103 (VCV001787103.7), dbSNP rs782024317, ClinGen allele CA10560995.
Genomic context (GRCh38, chrX:154,364,131, plus strand): 5'-GTGTGCTTCACCGGCTTCCTGGGCACGTAGGAGCAGCTGTAAGTGCCATTGCCGTTGTCC[T>C]TGACCAACGCCTCCACAGGGCAGCCTTCATTGTCCTGTCAGGCAGATAGGAGCAGGTGGC-3'
Protein context (NP_001104026.1, residues 714-734): NEGCPVEALV[Lys724Arg]DNGNGTYSCS

ClinVar aggregate classification (germline): Conflicting classifications of pathogenicity. Review status: criteria provided, conflicting classifications (1 of 4 stars). 2 submissions from 2 submitters: Uncertain significance (1); Likely benign (1). Last evaluated 2025-06-11.

Conditions:
Familial thoracic aortic aneurysm and aortic dissection (TAAD). Also called: Thoracic aortic aneurysms and dissections. Identifiers: Orphanet 91387, MedGen C4707243, MONDO:0019625.
Heterotopia, periventricular, X-linked dominant (PVNH1). Also called: PERIVENTRICULAR NODULAR HETEROTOPIA 4; HETEROTOPIA, PERIVENTRICULAR, 1; PERIVENTRICULAR NODULAR HETEROTOPIA 1; X-linked periventricular heterotopia. Identifiers: Orphanet 2149, Orphanet 82004, MedGen C1848213, MONDO:0010233, OMIM 300049.
Melnick-Needles syndrome (MNS). Also called: Melnick-Needles Syndrome (FLNA-MNS); MELNICK-NEEDLES OSTEODYSPLASTY; OSTEODYSPLASTY OF MELNICK AND NEEDLES. Identifiers: Orphanet 2484, MedGen C0025237, MONDO:0010650, OMIM 309350.
Frontometaphyseal dysplasia (FMD1). Identifiers: Orphanet 1826, MedGen C0265293, MONDO:0015942.
Oto-palato-digital syndrome, type II (OPD2). Also called: Otopalatodigital Syndrome Type 2 (FLNA-OPD2); FACIOPALATOOSSEOUS SYNDROME; OPD II SYNDROME; Otopalatodigital Syndrome, Type II. Identifiers: Orphanet 669, Orphanet 90652, MedGen C1844696, MONDO:0010571, OMIM 304120.

Allele frequency attached by ClinVar (database versions not stated): gnomAD exomes below 0.00001; ExAC 0.00001.
gnomAD v4.1: 1 of 1,211,045 alleles (0.000083%); highest among the groups gnomAD compares: Admixed American, 0.0022%; no homozygotes.

Submissions (2):

Labcorp Genetics (formerly Invitae), Labcorp
Classification: Likely benign for Oto-palato-digital syndrome, type II; Heterotopia, periventricular, X-linked dominant; Frontometaphyseal dysplasia; Melnick-Needles syndrome. Last evaluated: 2025-06-11. Review status: criteria provided, single submitter. Criteria: Invitae Variant Classification Sherloc (09022015). Collection method: clinical testing. Allele origin: germline.

Ambry Genetics
Classification: Uncertain significance for Familial thoracic aortic aneurysm and aortic dissection. Last evaluated: 2018-02-28. Review status: criteria provided, single submitter. Criteria: Ambry Variant Classification Scheme 2023. Collection method: clinical testing. Allele origin: germline.
Comment: The p.K724R variant (also known as c.2171A>G), located in coding exon 14 of the FLNA gene, results from an A to G substitution at nucleotide position 2171. The lysine at codon 724 is replaced by arginine, an amino acid with highly similar properties. This amino acid position is highly conserved in available vertebrate species. In addition, this alteration is predicted to be tolerated by in silico analysis. Since supporting evidence is limited at this time, the clinical significance of this alteration remains unclear.